The following is an entry in ClinVar:

NM_000264.5(PTCH1):c.1652C>T (p.Thr551Met)

Gene: PTCH1 (patched 1; minus strand). Cytogenetic location: 9q22.32.
Variant type: single nucleotide variant.
Coding change: c.1652C>T on transcript NM_000264.5 (MANE Select); coding-DNA position 1652, C replaced by T.
Protein change: p.Thr551Met; replaces threonine 551 with methionine.
Molecular consequence: missense variant. On other transcripts: non-coding transcript variant (1).
Genome position (GRCh38, 1-based): chr9:95,476,110, G>A on the plus strand (C>T on the coding strand, the complement: PTCH1 is on the minus strand). VCF-style: chr9-95476110-G-A. GRCh37 (hg19) VCF-style: chr9-98238392-G-A.
Other names: c.1454C>T, p.Thr485Met (NM_001083602.3); c.1649C>T, p.Thr550Met (NM_001083603.3); c.1199C>T, p.Thr400Met (NM_001083604.3, NM_001083605.3, NM_001083606.3 and 1 more transcripts); c.1496C>T, p.Thr499Met (NM_001354918.2); short protein forms T485M, T551M, T400M, T499M, T550M.
Identifiers: ClinVar variation 216373 (VCV000216373.12), dbSNP rs863224649, ClinGen allele CA335732.

ClinVar aggregate classification (germline): Uncertain significance. Review status: criteria provided, multiple submitters, no conflicts (2 of 4 stars). 2 submissions from 2 submitters: Uncertain significance (2). Last evaluated 2025-09-24.

Conditions:
Hereditary cancer-predisposing syndrome. Also called: Tumor predisposition; Hereditary Cancer Syndrome; Neoplastic Syndromes, Hereditary; Hereditary neoplastic syndrome. Identifiers: Orphanet 140162, MedGen C0027672, MeSH D009386, MONDO:0015356.
Gorlin syndrome. Also called: Nevoid Basal Cell Carcinoma Syndrome; Basal cell nevus syndrome. Identifiers: Orphanet 377, MedGen C0004779, MONDO:0007187.

Allele frequency attached by ClinVar (database versions not stated): TOPMed below 0.00001.
gnomAD v4.1: 1 of 1,613,836 alleles (0.000062%); highest among the groups gnomAD compares: Non-Finnish European, 0.000085%; no homozygotes.

Submissions (2):

Labcorp Genetics (formerly Invitae), Labcorp
Classification: Uncertain significance for Gorlin syndrome. Last evaluated: 2025-09-24. Review status: criteria provided, single submitter. Criteria: Invitae Variant Classification Sherloc (09022015). Collection method: clinical testing. Allele origin: germline.
Comment: This sequence change replaces threonine, which is neutral and polar, with methionine, which is neutral and non-polar, at codon 551 of the PTCH1 protein (p.Thr551Met). This variant is not present in population databases (gnomAD no frequency). This variant has not been reported in the literature in individuals affected with PTCH1-related conditions. ClinVar contains an entry for this variant (Variation ID: 216373). Invitae Evidence Modeling of protein sequence and biophysical properties (such as structural, functional, and spatial information, amino acid conservation, physicochemical variation, residue mobility, and thermodynamic stability) has been performed for this missense variant. However, the output from this modeling did not meet the statistical confidence thresholds required to predict the impact of this variant on PTCH1 protein function. In summary, the available evidence is currently insufficient to determine the role of this variant in disease. Therefore, it has been classified as a Variant of Uncertain Significance.

Ambry Genetics
Classification: Uncertain significance for Hereditary cancer-predisposing syndrome. Last evaluated: 2023-05-25. Review status: criteria provided, single submitter. Criteria: Ambry Variant Classification Scheme 2023. Collection method: clinical testing. Allele origin: germline.
Comment: The p.T551M variant (also known as c.1652C>T), located in coding exon 12 of the PTCH1 gene, results from a C to T substitution at nucleotide position 1652. The threonine at codon 551 is replaced by methionine, an amino acid with similar properties. This amino acid position is highly conserved in available vertebrate species. In addition, this alteration is predicted to be deleterious by in silico analysis. Since supporting evidence is limited at this time, the clinical significance of this alteration remains unclear.